The following is an entry in ClinVar:

ClinVar aggregate classification (germline): Pathogenic/Likely pathogenic. Review status: criteria provided, multiple submitters, no conflicts (2 of 4 stars). 2 submissions from 2 submitters: Pathogenic (1); Likely pathogenic (1). Last evaluated 2024-05-04.

Conditions:
Thyroid dyshormonogenesis 6 (TDH6). Also called: THYROID HORMONOGENESIS, GENETIC DEFECT IN, 6; HYPOTHYROIDISM, CONGENITAL, DUE TO DYSHORMONOGENESIS, 6; Genetic transient congenital hypothyroidism. Identifiers: Orphanet 226316, Orphanet 95716, MedGen C1846632, MONDO:0011792, OMIM 607200.

Allele frequency attached by ClinVar (database versions not stated): TOPMed below 0.00001; gnomAD exomes 0.00004; ExAC 0.00015.

Submissions (2):

Fulgent Genetics
Classification: Likely pathogenic for Thyroid dyshormonogenesis 6. Last evaluated: 2024-05-04. Review status: criteria provided, single submitter. Criteria: ACMG Guidelines, 2015. Collection method: clinical testing. Allele origin: germline.

Labcorp Genetics (formerly Invitae), Labcorp
Classification: Pathogenic. Last evaluated: 2023-11-19. Review status: criteria provided, single submitter. Criteria: Invitae Variant Classification Sherloc (09022015). Collection method: clinical testing. Allele origin: germline.
Comment: This sequence change creates a premature translational stop signal (p.Gly1386Alafs*34) in the DUOX2 gene. It is expected to result in an absent or disrupted protein product. Loss-of-function variants in DUOX2 are known to be pathogenic (PMID: 12110737, 18765513, 21565790, 24423310, 24735383). This variant is present in population databases (rs773312598, gnomAD 0.02%). This variant has not been reported in the literature in individuals affected with DUOX2-related conditions. ClinVar contains an entry for this variant (Variation ID: 1906787). Algorithms developed to predict the effect of sequence changes on RNA splicing suggest that this variant may disrupt the consensus splice site. For these reasons, this variant has been classified as Pathogenic.

Literature cited by the submitters: PubMed 12110737 (cited by Labcorp Genetics (formerly Invitae), Labcorp); PubMed 18765513 (cited by Labcorp Genetics (formerly Invitae), Labcorp); PubMed 21565790 (cited by Labcorp Genetics (formerly Invitae), Labcorp); PubMed 24423310 (cited by Labcorp Genetics (formerly Invitae), Labcorp); PubMed 24735383 (cited by Labcorp Genetics (formerly Invitae), Labcorp).

NM_001363711.2(DUOX2):c.4152del (p.Gly1386fs)

Gene: DUOX2 (dual oxidase 2; minus strand). Cytogenetic location: 15q21.1.
Variant type: Deletion.
Coding change: c.4152del on transcript NM_001363711.2 (MANE Select); coding-DNA position 4152, one base deleted (A; older notation c.4152delA).
Protein change: p.Gly1386fs; shifts the reading frame from glycine 1386.
Molecular consequence: frameshift variant.
Genome position (GRCh38, 1-based): chr15:45,095,524, T deleted on the plus strand (A on the coding strand, the reverse complement: DUOX2 is on the minus strand). VCF-style (leftmost placement, unchanged base first): chr15-45095523-CT-C. GRCh37 (hg19) VCF-style: chr15-45387721-CT-C.
Other names: c.4152del (NM_014080.4); c.4152del, p.Gly1386fs (NM_014080.5); short protein forms G1386fs.
Identifiers: ClinVar variation 1906787 (VCV001906787.6), dbSNP rs773312598, ClinGen allele CA7537611.